The following is an entry in ClinVar:

NM_005026.5(PIK3CD):c.664C>T (p.Arg222Trp)

Gene: PIK3CD (phosphatidylinositol-4,5-bisphosphate 3-kinase catalytic subunit delta; plus strand). Cytogenetic location: 1p36.22.
Variant type: single nucleotide variant.
Coding change: c.664C>T on transcript NM_005026.5 (MANE Select); coding-DNA position 664, C replaced by T.
Protein change: p.Arg222Trp; replaces arginine 222 with tryptophan.
Molecular consequence: missense variant.
Genome position (GRCh38, 1-based): chr1:9,716,503, C>T. VCF-style: chr1-9716503-C-T. GRCh37 (hg19) VCF-style: chr1-9776561-C-T.
Other names: c.664C>T, p.Arg222Trp (NM_001350234.2, NM_001350235.1); short protein forms R222W.
Identifiers: ClinVar variation 1506655 (VCV001506655.8), dbSNP rs772233114, ClinGen allele CA576949.
Genomic context (GRCh38, chr1:9,716,503, plus strand): 5'-AGCTTCACCTTCCAGGTGTCCACCAAGGACGTGCCGCTGGCGCTGATGGCCTGTGCCCTG[C>T]GGAAGAAGGCCACAGTGTTCCGGCAGCCGCTGGTGGAGCAGCCGGAAGACTACACGCTGC-3'
Protein context (NP_005017.3, residues 212-232): VPLALMACAL[Arg222Trp]KKATVFRQPL

ClinVar aggregate classification (germline): Uncertain significance (1 of 4 stars; one submission).

Conditions:
Immunodeficiency 14 (IMD14A). Also called: ACTIVATED PI3K-DELTA SYNDROME 1; Activated PI3K Delta Syndrome Type 1 (APDS1); p110-DELTA-ACTIVATING MUTATION CAUSING SENESCENT T CELLS, LYMPHADENOPATHY, AND IMMUNODEFICIENCY; IMMUNODEFICIENCY 14A WITH LYMPHOPROLIFERATION, AUTOSOMAL DOMINANT. Identifiers: Orphanet 397596, Orphanet 693661, MedGen C5907821, MONDO:0014222, OMIM 615513.

Allele frequency attached by ClinVar (database versions not stated): gnomAD exomes below 0.00001 and 0.00001; ExAC 0.00001.
gnomAD v4.1: 11 of 1,610,942 alleles (0.00068%); highest among the groups gnomAD compares: South Asian, 0.0011%; no homozygotes.

Submission:

Labcorp Genetics (formerly Invitae), Labcorp
Classification: Uncertain significance for Activated PI3K-delta syndrome. Last evaluated: 2025-12-03. Review status: criteria provided, single submitter. Criteria: Invitae Variant Classification Sherloc (09022015). Collection method: clinical testing. Allele origin: germline.
Comment: This sequence change replaces arginine, which is basic and polar, with tryptophan, which is neutral and slightly polar, at codon 222 of the PIK3CD protein (p.Arg222Trp). The frequency data for this variant in the population databases is considered unreliable, as metrics indicate poor data quality at this position in the gnomAD database. This variant has not been reported in the literature in individuals affected with PIK3CD-related conditions. ClinVar contains an entry for this variant (Variation ID: 1506655). Invitae Evidence Modeling of protein sequence and biophysical properties (such as structural, functional, and spatial information, amino acid conservation, physicochemical variation, residue mobility, and thermodynamic stability) has been performed for this missense variant. However, the output from this modeling did not meet the statistical confidence thresholds required to predict the impact of this variant on PIK3CD protein function. In summary, the available evidence is currently insufficient to determine the role of this variant in disease. Therefore, it has been classified as a Variant of Uncertain Significance.